The following is an entry in ClinVar:

NM_000243.3(MEFV):c.1945C>T (p.Leu649Phe)

Genes: MEFV (MEFV innate immunity regulator, pyrin; minus strand), LOC126862264 (CDK7 strongly-dependent group 2 enhancer GRCh37_chr16:3293322-3294521; plus strand). Cytogenetic location: 16p13.3.
Variant type: single nucleotide variant.
Coding change: c.1945C>T on transcript NM_000243.3 (MANE Select); coding-DNA position 1945, C replaced by T.
Protein change: p.Leu649Phe; replaces leucine 649 with phenylalanine.
Molecular consequence: missense variant. On other transcripts: 3 prime UTR variant (1).
Genome position (GRCh38, 1-based): chr16:3,243,542, G>A on the plus strand (C>T on the coding strand, the complement: MEFV is on the minus strand). VCF-style: chr16-3243542-G-A. GRCh37 (hg19) VCF-style: chr16-3293542-G-A.
Other names: c.*149C>T (NM_001198536.2); short protein forms L649F.
Identifiers: ClinVar variation 2503906 (VCV002503906.1), dbSNP rs2141665039, ClinGen allele CA394487513.
Genomic context (GRCh38, chr16:3,243,542, plus strand): 5'-CTCCCAGGATCCATGCTGTCTTGTCTCCAACCTCCACCTCCCAGTAACGGCGGCCAGAGA[G>A]GAAACTCGGAGAGCCCAGAACAATGATACAGCTGTCAAATCTTTGCGGGCCATCAGGCAG-3'
Protein context (NP_000234.1, residues 639-659): CIIVLGSPSF[Leu649Phe]SGRRYWEVEV

ClinVar aggregate classification (germline): Uncertain significance (1 of 4 stars; one submission).

Submission:

Women's Health and Genetics/Laboratory Corporation of America, LabCorp
Classification: Uncertain significance. Last evaluated: 2023-04-27. Review status: criteria provided, single submitter. Criteria: LabCorp Variant Classification Summary - May 2015. Collection method: clinical testing. Allele origin: germline.
Comment: Variant summary: MEFV c.1945C>T (p.Leu649Phe) results in a non-conservative amino acid change in the encoded protein sequence. Four of five in-silico tools predict a benign effect of the variant on protein function. The variant was absent in 251014 control chromosomes. The available data on variant occurrences in the general population are insufficient to allow any conclusion about variant significance. c.1945C>T has been reported in the literature in an individual affected with Familial Mediterranean Fever, without strong evidence for causality (Farjadian_2019). This report does not provide unequivocal conclusions about association of the variant with Familial Mediterranean Fever. To our knowledge, no experimental evidence demonstrating an impact on protein function has been reported. The following publications have been ascertained in the context of this evaluation (PMID: 31309779). No clinical diagnostic laboratories have submitted clinical-significance assessments for this variant to ClinVar after 2014. Based on the evidence outlined above, the variant was classified as uncertain significance.

Literature cited by the submitters: PubMed 31309779.